The following is an entry in ClinVar:

NM_144772.3(NAXE):c.306G>T (p.Thr102=)

Gene: NAXE (NAD(P)HX epimerase; plus strand). Cytogenetic location: 1q22.
Variant type: single nucleotide variant.
Coding change: c.306G>T on transcript NM_144772.3 (MANE Select); coding-DNA position 306, G replaced by T.
Protein change: p.Thr102=; no amino-acid change (threonine 102 retained).
Molecular consequence: synonymous variant.
Genome position (GRCh38, 1-based): chr1:156,592,379, G>T. VCF-style: chr1-156592379-G-T. GRCh37 (hg19) VCF-style: chr1-156562171-G-T.
Identifiers: ClinVar variation 2019936 (VCV002019936.4), dbSNP rs775219472, ClinGen allele CA1162721.

ClinVar aggregate classification (germline): Uncertain significance (1 of 4 stars; one submission).

Allele frequency attached by ClinVar (database versions not stated): 1000 Genomes Project 30x 0.00031.

Submission:

Labcorp Genetics (formerly Invitae), Labcorp
Classification: Uncertain significance. Last evaluated: 2022-08-08. Review status: criteria provided, single submitter. Criteria: Invitae Variant Classification Sherloc (09022015). Collection method: clinical testing. Allele origin: germline.
Comment: This sequence change affects codon 102 of the NAXE mRNA. It is a 'silent' change, meaning that it does not change the encoded amino acid sequence of the NAXE protein. This variant is present in population databases (rs775219472, gnomAD 0.003%). This variant has not been reported in the literature in individuals affected with NAXE-related conditions. In summary, the available evidence is currently insufficient to determine the role of this variant in disease. Therefore, it has been classified as a Variant of Uncertain Significance. Algorithms developed to predict the effect of sequence changes on RNA splicing suggest that this variant may create or strengthen a splice site.